The following is an entry in ClinVar:

NM_001042492.3(NF1):c.1886_1895dup (p.Cys632fs)

Gene: NF1 (neurofibromin 1; plus strand). Cytogenetic location: 17q11.2.
Variant type: Duplication.
Coding change: c.1886_1895dup on transcript NM_001042492.3 (MANE Select); coding-DNA positions 1886 to 1895, 10 bases duplicated (GGGTAGGATG; older notation c.1886_1895dupGGGTAGGATG).
Protein change: p.Cys632fs; shifts the reading frame from cysteine 632.
Molecular consequence: frameshift variant.
Genome position (GRCh38, 1-based): chr17:31,225,135-31,225,144, GGGTAGGATG duplicated; duplicating any 10 consecutive bases within chr17:31,225,134-31,225,144 gives the same sequence; the c. name uses the placement nearest the transcript's 3' end. VCF-style (leftmost placement, unchanged base first): chr17-31225133-C-CGGGGTAGGAT. GRCh37 (hg19) VCF-style: chr17-29552151-C-CGGGGTAGGAT.
Other names: c.1886_1895dup, p.Cys632fs (NM_000267.4); short protein forms C632fs.
Identifiers: ClinVar variation 4714198 (VCV004714198.1).

ClinVar aggregate classification (germline): Pathogenic (1 of 4 stars; one submission).

Conditions:
Neurofibromatosis, type 1 (NF1). Also called: VON RECKLINGHAUSEN DISEASE; Peripheral type neurofibromatosis; NEUROFIBROMATOSIS, TYPE I, SOMATIC; Neurofibromatosis, type I. Identifiers: Orphanet 636, MedGen C0027831, MONDO:0018975, OMIM 162200. Disease mechanism: loss of function.

Submission:

Labcorp Genetics (formerly Invitae), Labcorp
Classification: Pathogenic for Neurofibromatosis, type 1. Last evaluated: 2025-03-03. Review status: criteria provided, single submitter. Criteria: Invitae Variant Classification Sherloc (09022015). Collection method: clinical testing. Allele origin: germline.
Comment: This sequence change creates a premature translational stop signal (p.Cys632Trpfs*5) in the NF1 gene. It is expected to result in an absent or disrupted protein product. Loss-of-function variants in NF1 are known to be pathogenic (PMID: 10712197, 23913538). This variant is not present in population databases (gnomAD no frequency). This variant has not been reported in the literature in individuals affected with NF1-related conditions. Algorithms developed to predict the effect of sequence changes on RNA splicing suggest that this variant may disrupt the consensus splice site. For these reasons, this variant has been classified as Pathogenic.

Literature cited by the submitters: PubMed 10712197; PubMed 23913538.